The following is an entry in ClinVar:

NM_005912.3(MC4R):c.643A>G (p.Met215Val)

Gene: MC4R (melanocortin 4 receptor; minus strand). Cytogenetic location: 18q21.32.
Variant type: single nucleotide variant.
Coding change: c.643A>G on transcript NM_005912.3 (MANE Select); coding-DNA position 643, A replaced by G.
Protein change: p.Met215Val; replaces methionine 215 with valine.
Molecular consequence: missense variant.
Genome position (GRCh38, 1-based): chr18:60,371,707, T>C on the plus strand (A>G on the coding strand, the complement: MC4R is on the minus strand). VCF-style: chr18-60371707-T-C. GRCh37 (hg19) VCF-style: chr18-58038940-T-C.
Other names: short protein forms M215V.
Identifiers: ClinVar variation 4683150 (VCV004683150.1).

ClinVar aggregate classification (germline): Uncertain significance (1 of 4 stars; one submission).

Conditions:
Early onset severe obesity. Identifiers: MedGen C4013980.

gnomAD v4.1: 7 of 1,614,132 alleles (0.00043%); highest among the groups gnomAD compares: Non-Finnish European, 0.00059%; no homozygotes.

Submission:

Cambridge Genomics Laboratory, East Genomic Laboratory Hub, NHS Genomic Medicine Service
Classification: Uncertain significance for Severe early-onset obesity. Last evaluated: 2025-03-06. Review status: criteria provided, single submitter. Criteria: ACGS Best Practice Guidelines for Variant Classification in Rare Disease 2020. Collection method: clinical testing. Allele origin: germline. Affected: yes.
Comment: PM2,PM5